The following is an entry in ClinVar:

NM_001379081.2(FREM1):c.4779C>G (p.Phe1593Leu)

Gene: FREM1 (FRAS1 related extracellular matrix 1; minus strand). Cytogenetic location: 9p22.3.
Variant type: single nucleotide variant.
Coding change: c.4779C>G on transcript NM_001379081.2 (MANE Select); coding-DNA position 4779, C replaced by G.
Protein change: p.Phe1593Leu; replaces phenylalanine 1593 with leucine.
Molecular consequence: missense variant. On other transcripts: non-coding transcript variant (2).
Genome position (GRCh38, 1-based): chr9:14,775,867, G>C on the plus strand (C>G on the coding strand, the complement: FREM1 is on the minus strand). VCF-style: chr9-14775867-G-C. GRCh37 (hg19) VCF-style: chr9-14775865-G-C.
Other names: c.387C>G, p.Phe129Leu (NM_001177704.3, NM_001370058.2, NM_001370061.2); c.4779C>G, p.Phe1593Leu (NM_144966.7); short protein forms F129L, F1593L.
Identifiers: ClinVar variation 1922652 (VCV001922652.5), dbSNP rs764365821, ClinGen allele CA4990072.

ClinVar aggregate classification (germline): Uncertain significance (1 of 4 stars; one submission).

Allele frequency attached by ClinVar (database versions not stated): ExAC 0.00001; gnomAD 0.00001; gnomAD exomes 0.00001; TOPMed 0.00001.
gnomAD v4.1: 11 of 1,613,852 alleles (0.00068%); highest among the groups gnomAD compares: Non-Finnish European, 0.00085%; no homozygotes.

Submission:

Labcorp Genetics (formerly Invitae), Labcorp
Classification: Uncertain significance. Last evaluated: 2022-04-19. Review status: criteria provided, single submitter. Criteria: Invitae Variant Classification Sherloc (09022015). Collection method: clinical testing. Allele origin: germline.
Comment: In summary, the available evidence is currently insufficient to determine the role of this variant in disease. Therefore, it has been classified as a Variant of Uncertain Significance. Algorithms developed to predict the effect of missense changes on protein structure and function are either unavailable or do not agree on the potential impact of this missense change (SIFT: "Deleterious"; PolyPhen-2: "Probably Damaging"; Align-GVGD: "Class C0"). This variant has not been reported in the literature in individuals affected with FREM1-related conditions. This variant is present in population databases (rs764365821, gnomAD 0.002%). This sequence change replaces phenylalanine, which is neutral and non-polar, with leucine, which is neutral and non-polar, at codon 1593 of the FREM1 protein (p.Phe1593Leu).